The following is an entry in ClinVar:

ClinVar aggregate classification (germline): Uncertain significance. Review status: criteria provided, multiple submitters, no conflicts (2 of 4 stars). 2 submissions from 2 submitters: Uncertain significance (2). Last evaluated 2024-06-26.

Conditions:
Neurodevelopmental disorder. Identifiers: MedGen C1535926, MeSH D065886, MONDO:0700092.

Allele frequency attached by ClinVar (database versions not stated): ESP Exome Variant Server 0.00017; 1000 Genomes Project 0.00020; gnomAD exomes 0.00020; ExAC 0.00022; gnomAD 0.00023; 1000 Genomes Project 30x 0.00031; TOPMed 0.00031.
gnomAD v4.1: 334 of 1,587,060 alleles (0.021%); highest among the groups gnomAD compares: Non-Finnish European, 0.026%; no homozygotes.

Submissions (2):

Ambry Genetics
Classification: Uncertain significance. Last evaluated: 2024-06-26. Review status: criteria provided, single submitter. Criteria: Ambry Variant Classification Scheme 2023. Collection method: clinical testing. Allele origin: germline.

Broad Center for Mendelian Genomics, Broad Institute of MIT and Harvard
Classification: Uncertain significance for Neurodevelopmental disorder. Last evaluated: 2024-06-19. Review status: criteria provided, single submitter. Criteria: ACMG Guidelines, 2015. Collection method: curation. Allele origin: germline. Inheritance: Autosomal recessive inheritance. Study: GREGoR Consortium.
Comment: While this gene is still lacking sufficient evidence to establish a gene-disease relationship, we believe this is a possible novel gene candidate for neurodevelopmental disorders. Given the limited information about this gene-disease relationship, the significance of the p.Arg181Cys variant is uncertain. If you have any additional information about functional evidence or other individuals with this phenotype that also have variants in CCDC15 we encourage you to reach out to us.

NM_025004.3(CCDC15):c.541C>T (p.Arg181Cys)

Gene: CCDC15 (coiled-coil domain containing 15; plus strand). Cytogenetic location: 11q24.2.
Variant type: single nucleotide variant.
Coding change: c.541C>T on transcript NM_025004.3 (MANE Select); coding-DNA position 541, C replaced by T.
Protein change: p.Arg181Cys; replaces arginine 181 with cysteine.
Molecular consequence: missense variant.
Genome position (GRCh38, 1-based): chr11:124,975,120, C>T. VCF-style: chr11-124975120-C-T. GRCh37 (hg19) VCF-style: chr11-124845016-C-T.
Other names: NM_025004.3(CCDC15):c.541C>T; p.Arg181Cys; short protein forms R181C.
Identifiers: ClinVar variation 2395997 (VCV002395997.4), dbSNP rs141915356, ClinGen allele CA6345993.